The following is an entry in ClinVar:

ClinVar aggregate classification (germline): Pathogenic. Review status: criteria provided, multiple submitters, no conflicts (2 of 4 stars). 2 submissions from 2 submitters: Pathogenic (2). Last evaluated 2026-08-06.

Conditions:
Myoclonic dystonia 11 (DYT11). Also called: Myoclonic dystonia; Dystonia 11; Dystonia, alcohol responsive; Hereditary essential myoclonus; SGCE Myoclonus-Dystonia; DYT-SGCE. Identifiers: Orphanet 36899, MedGen C1834570, MONDO:0008044, OMIM 159900.

Submissions (2):

GeneDx
Classification: Pathogenic. Last evaluated: 2026-08-06. Review status: criteria provided, single submitter. Criteria: GeneDx Variant Classification Process June 2021. Collection method: clinical testing. Allele origin: germline.
Comment: Canonical splice site variant predicted to result in a null allele in a gene for which loss of function is a known mechanism of disease; Not observed at significant frequency in large population cohorts (gnomAD); This variant is associated with the following publications: (PMID: 11528394, 29607243)

Labcorp Genetics (formerly Invitae), Labcorp
Classification: Pathogenic for Myoclonic dystonia 11. Last evaluated: 2021-02-24. Review status: criteria provided, single submitter. Criteria: Invitae Variant Classification Sherloc (09022015). Collection method: clinical testing. Allele origin: germline.
Comment: Disruption of this splice site has been observed in individual(s) with SGCE-related conditions (PMID: 29607243, 11528394). ClinVar contains an entry for this variant (Variation ID: 464161). Algorithms developed to predict the effect of sequence changes on RNA splicing suggest that this variant may disrupt the consensus splice site, but this prediction has not been confirmed by published transcriptional studies. For these reasons, this variant has been classified as Pathogenic. This variant is not present in population databases (ExAC no frequency). This sequence change affects a donor splice site in intron 6 of the SGCE gene. It is expected to disrupt RNA splicing. Variants that disrupt the donor or acceptor splice site typically lead to a loss of protein function (PMID: 16199547), and loss-of-function variants in SGCE are known to be pathogenic (PMID: 12821748, 15389977, 17853490, 24297365).

Literature cited by the submitters: PubMed 29607243 (cited by Labcorp Genetics (formerly Invitae), Labcorp); PubMed 11528394 (cited by Labcorp Genetics (formerly Invitae), Labcorp); PubMed 16199547 (cited by Labcorp Genetics (formerly Invitae), Labcorp); PubMed 12821748 (cited by Labcorp Genetics (formerly Invitae), Labcorp); PubMed 15389977 (cited by Labcorp Genetics (formerly Invitae), Labcorp); PubMed 17853490 (cited by Labcorp Genetics (formerly Invitae), Labcorp); PubMed 24297365 (cited by Labcorp Genetics (formerly Invitae), Labcorp).

NM_003919.3(SGCE):c.825+1_825+2del

Genes: CASD1 (CAS1 domain sialic acid O acetyltransferase 1; plus strand), SGCE (sarcoglycan epsilon; minus strand). Cytogenetic location: 7q21.3.
Variant type: Deletion.
Coding change: c.825+1_825+2del on transcript NM_003919.3 (MANE Select); the canonical splice donor site of the intron after coding-DNA position 825, 2 bases deleted (GT; older notation c.825+1_825+2delGT).
Molecular consequence: splice donor variant.
Genome position (GRCh38, 1-based): chr7:94,603,288-94,603,289, AC deleted on the plus strand (GT on the coding strand, the reverse complement: SGCE is on the minus strand). VCF-style (leftmost placement, unchanged base first): chr7-94603287-TAC-T. GRCh37 (hg19) VCF-style: chr7-94232599-TAC-T.
Other names: c.702+1_702+2del (NM_001362809.2, NM_001301139.2); c.825+1_825+2del (NM_001346717.2, NM_001099400.2, NM_001099401.2); c.933+1_933+2del (NM_001346715.2, NM_001346713.2); c.738+1_738+2del (NM_001362807.2, NM_001346719.2); c.552+1_552+2del (NM_001362808.2, NM_001346720.2).
Identifiers: ClinVar variation 464161 (VCV000464161.10), dbSNP rs1554345052, ClinGen allele CA658657697.